The following is an entry in ClinVar:

NM_033056.4(PCDH15):c.5369_5458del (p.Leu1790_Pro1819del)

Gene: PCDH15 (protocadherin related 15; minus strand). Cytogenetic location: 10q21.1.
Variant type: Deletion.
Coding change: c.5369_5458del on transcript NM_033056.4 (MANE Plus Clinical); coding-DNA positions 5369 to 5458, 90 bases deleted.
Protein change: p.Leu1790_Pro1819del.
Molecular consequence: inframe deletion. On other transcripts: intron variant (8).
Genome position (GRCh38, 1-based): chr10:53,822,268-53,822,357, 90 bases deleted. GRCh37 (hg19): chr10:55,582,038-55,582,127.
Other names: c.5390_5479del, p.Leu1797_Pro1826del (NM_001142763.2); c.5375_5464del, p.Leu1792_Pro1821del (NM_001142764.2); c.5162_5251del, p.Leu1721_Pro1750del (NM_001142765.2); c.5360_5449del, p.Leu1787_Pro1816del (NM_001142766.2); c.5249_5338del, p.Leu1750_Pro1779del (NM_001142767.2); c.5309_5398del, p.Leu1770_Pro1799del (NM_001142768.2); c.5300_5389del, p.Leu1767_Pro1796del (NM_001142773.2); c.5303_5392del, p.Leu1768_Pro1797del (NM_001354404.2); and 7 more.
Identifiers: ClinVar variation 5003774 (VCV005003774.1).

ClinVar aggregate classification (germline): Uncertain significance (1 of 4 stars; one submission).

Conditions:
Usher syndrome type 1F (USH1F). Also called: USHER SYNDROME, TYPE IF. Identifiers: Orphanet 231169, Orphanet 886, MedGen C1865885, MONDO:0011186, OMIM 602083.

Submission:

Myriad Genetics, Inc.
Classification: Uncertain significance for Usher syndrome type 1F. Last evaluated: 2026-03-26. Review status: criteria provided, single submitter. Criteria: Myriad Autosomal Dominant, Autosomal Recessive and X-Linked Classification Criteria (2023). Collection method: clinical testing. Allele origin: unknown.
Comment: NM_033056.3(PCDH15):c.5369_5458del90(L1790_P1819del) is an in-frame deletion classified as a variant of uncertain significance in the context of PCDH15-related disorders. L1790_P1819del has not been observed in cases with relevant disease. Relevant functional assessments of this variant are not available in the literature. L1790_P1819del has been observed in referenced population frequency databases. In summary, there is insufficient evidence to classify NM_033056.3(PCDH15):c.5369_5458del90(L1790_P1819del) as pathogenic or benign. Please note: this variant was assessed in the context of healthy population screening.